The following is an entry in ClinVar:

NM_006565.4(CTCF):c.308T>C (p.Met103Thr)

Gene: CTCF (CCCTC-binding factor; plus strand). Cytogenetic location: 16q22.1.
Variant type: single nucleotide variant.
Coding change: c.308T>C on transcript NM_006565.4 (MANE Select); coding-DNA position 308, T replaced by C.
Protein change: p.Met103Thr; replaces methionine 103 with threonine.
Molecular consequence: missense variant. On other transcripts: intron variant (1).
Genome position (GRCh38, 1-based): chr16:67,611,140, T>C. VCF-style: chr16-67611140-T-C. GRCh37 (hg19) VCF-style: chr16-67645043-T-C.
Other names: c.308T>C, p.Met103Thr (NM_001363916.2, NM_001438968.1, NM_001438969.1); c.-32-5605T>C (NM_001191022.2); short protein forms M103T.
Identifiers: ClinVar variation 5017040 (VCV005017040.1).

ClinVar aggregate classification (germline): Uncertain significance (1 of 4 stars; one submission).

Submission:

GeneDx
Classification: Uncertain significance. Last evaluated: 2026-03-22. Review status: criteria provided, single submitter. Criteria: GeneDx Variant Classification Process June 2021. Collection method: clinical testing. Allele origin: germline.
Comment: Not observed at significant frequency in large population cohorts (gnomAD); In silico analysis suggests that this missense variant does not alter protein structure/function; Has not been previously published as pathogenic or benign to our knowledge